The following is an entry in ClinVar:

NM_025132.4(WDR19):c.388C>G (p.Arg130Gly)

Gene: WDR19 (WD repeat domain 19; plus strand). Cytogenetic location: 4p14.
Variant type: single nucleotide variant.
Coding change: c.388C>G on transcript NM_025132.4 (MANE Select); coding-DNA position 388, C replaced by G.
Protein change: p.Arg130Gly; replaces arginine 130 with glycine.
Molecular consequence: missense variant. On other transcripts: intron variant (1).
Genome position (GRCh38, 1-based): chr4:39,194,641, C>G. VCF-style: chr4-39194641-C-G. GRCh37 (hg19) VCF-style: chr4-39196261-C-G.
Other names: c.-74-4837C>G (NM_001317924.2); short protein forms R130G.
Identifiers: ClinVar variation 2119085 (VCV002119085.4), dbSNP rs778039192, ClinGen allele CA356631862.

ClinVar aggregate classification (germline): Uncertain significance (1 of 4 stars; one submission).

Conditions:
Senior-Loken syndrome 8 (SLSN8). Identifiers: Orphanet 3156, MedGen C4225376, MONDO:0014579, OMIM 616307.
Asphyxiating thoracic dystrophy 5 (SRTD5). Also called: SHORT-RIB THORACIC DYSPLASIA 5 WITH OR WITHOUT POLYDACTYLY; SHORT-RIB THORACIC DYSPLASIA 5 WITHOUT POLYDACTYLY. Identifiers: Orphanet 474, MedGen C3280598, MONDO:0013717, OMIM 614376.

Submission:

Labcorp Genetics (formerly Invitae), Labcorp
Classification: Uncertain significance for Senior-Loken syndrome 8; Asphyxiating thoracic dystrophy 5. Last evaluated: 2022-04-07. Review status: criteria provided, single submitter. Criteria: Invitae Variant Classification Sherloc (09022015). Collection method: clinical testing. Allele origin: germline.
Comment: Algorithms developed to predict the effect of missense changes on protein structure and function (SIFT, PolyPhen-2, Align-GVGD) all suggest that this variant is likely to be disruptive. This sequence change replaces arginine, which is basic and polar, with glycine, which is neutral and non-polar, at codon 130 of the WDR19 protein (p.Arg130Gly). This variant is not present in population databases (gnomAD no frequency). This variant has not been reported in the literature in individuals affected with WDR19-related conditions. In summary, the available evidence is currently insufficient to determine the role of this variant in disease. Therefore, it has been classified as a Variant of Uncertain Significance.